The following is an entry in ClinVar:

Conditions:
Arteriohepatic dysplasia. Also called: Alagille Syndrome. Identifiers: Orphanet 52, MedGen C0085280, MeSH D016738, MONDO:0007318.

Submission:

Gilbert/Spinner Lab, Children's Hospital of Philadelphia
No classification provided (evidence only). Condition: Alagille syndrome. Review status: no classification provided. Collection method: research. Allele origin: not applicable. Functional consequence: functionally_abnormal.
ClinVar note: "not provided" was previously submitted as the classification for the variant. However, the classification appeared to be based only on an observation of functional data so it was converted to no classification on 2025-07-30.

NM_000214.3(JAG1):c.412G>C (p.Ala138Pro)

Gene: JAG1 (jagged canonical Notch ligand 1; minus strand). Cytogenetic location: 20p12.2.
Variant type: single nucleotide variant.
Coding change: c.412G>C on transcript NM_000214.3 (MANE Select); coding-DNA position 412, G replaced by C.
Protein change: p.Ala138Pro; replaces alanine 138 with proline.
Molecular consequence: missense variant.
Genome position (GRCh38, 1-based): chr20:10,663,990, C>G on the plus strand (G>C on the coding strand, the complement: JAG1 is on the minus strand). VCF-style: chr20-10663990-C-G. GRCh37 (hg19) VCF-style: chr20-10644638-C-G.
Other names: short protein forms A138P.
Identifiers: ClinVar variation 3573034 (VCV003573034.2).